The following is an entry in ClinVar:

NM_001077365.2(POMT1):c.1826-268G>A

Gene: POMT1 (protein O-mannosyltransferase 1; plus strand). Cytogenetic location: 9q34.13.
Variant type: single nucleotide variant.
Coding change: c.1826-268G>A on transcript NM_001077365.2 (MANE Select); 268 bases into the intron before coding-DNA position 1826, G replaced by A.
Molecular consequence: intron variant.
Genome position (GRCh38, 1-based): chr9:131,521,779, G>A. VCF-style: chr9-131521779-G-A. GRCh37 (hg19) VCF-style: chr9-134397166-G-A.
Other names: c.1730-268G>A (NM_001353198.2, NM_001353197.2); c.1892-268G>A (NM_001353193.2, NM_007171.4); c.1826-268G>A (NM_001136113.2); c.1664-268G>A (NM_001353194.2, NM_001077366.2); c.1475-268G>A (NM_001374691.1, NM_001353195.2, NM_001374692.1 and 2 more transcripts); c.1607-268G>A (NM_001374690.1); c.1736-268G>A (NM_001353196.2); c.1436-268G>A (NM_001374695.1); and 3 more.
Identifiers: ClinVar variation 668932 (VCV000668932.1), dbSNP rs61584357, ClinGen allele CA13040156.

ClinVar aggregate classification (germline): Benign (1 of 4 stars; one submission).

Allele frequency attached by ClinVar (database versions not stated): gnomAD 0.05876 and 0.05897; TOPMed 0.06869; 1000 Genomes Project 0.07308; 1000 Genomes Project 30x 0.07464.
gnomAD v4.1: 9,004 of 152,308 alleles (5.9%); highest among the groups gnomAD compares: Admixed American, 12%; 341 homozygotes.

Submission:

GeneDx
Classification: Benign. Last evaluated: 2018-06-19. Review status: criteria provided, single submitter. Criteria: GeneDx Variant Classification (06012015). Collection method: clinical testing. Allele origin: germline. Affected: yes.
Comment: This variant is considered likely benign or benign based on one or more of the following criteria: it is a conservative change, it occurs at a poorly conserved position in the protein, it is predicted to be benign by multiple in silico algorithms, and/or has population frequency not consistent with disease.